The following is an entry in ClinVar:

NM_014141.6(CNTNAP2):c.3388C>T (p.His1130Tyr)

Gene: CNTNAP2 (contactin associated protein 2; plus strand). Cytogenetic location: 7q36.1.
Variant type: single nucleotide variant.
Coding change: c.3388C>T on transcript NM_014141.6 (MANE Select); coding-DNA position 3388, C replaced by T.
Protein change: p.His1130Tyr; replaces histidine 1130 with tyrosine.
Molecular consequence: missense variant.
Genome position (GRCh38, 1-based): chr7:148,267,039, C>T. VCF-style: chr7-148267039-C-T. GRCh37 (hg19) VCF-style: chr7-147964131-C-T.
Other names: short protein forms H1130Y.
Identifiers: ClinVar variation 658588 (VCV000658588.9), dbSNP rs867798232, ClinGen allele CA168829867.

ClinVar aggregate classification (germline): Uncertain significance (1 of 4 stars; one submission).

Conditions:
Cortical dysplasia-focal epilepsy syndrome (PTHSL1). Also called: Pitt-Hopkins-like syndrome 1. Identifiers: Orphanet 163681, Orphanet 221150, MedGen C2750246, MONDO:0012400, OMIM 610042.

Submission:

Labcorp Genetics (formerly Invitae), Labcorp
Classification: Uncertain significance for Cortical dysplasia-focal epilepsy syndrome. Last evaluated: 2018-12-06. Review status: criteria provided, single submitter. Criteria: Invitae Variant Classification Sherloc (09022015). Collection method: clinical testing. Allele origin: germline.
Comment: In summary, the available evidence is currently insufficient to determine the role of this variant in disease. Therefore, it has been classified as a Variant of Uncertain Significance. Algorithms developed to predict the effect of missense changes on protein structure and function (SIFT, PolyPhen-2, Align-GVGD) all suggest that this variant is likely to be disruptive, but these predictions have not been confirmed by published functional studies and their clinical significance is uncertain. This variant has not been reported in the literature in individuals with CNTNAP2-related conditions. This variant is not present in population databases (ExAC no frequency). This sequence change replaces histidine with tyrosine at codon 1130 of the CNTNAP2 protein (p.His1130Tyr). The histidine residue is highly conserved and there is a moderate physicochemical difference between histidine and tyrosine.